The following is an entry in ClinVar:

ClinVar aggregate classification (germline): Uncertain significance (1 of 4 stars; one submission).

Conditions:
PCNT-related disorder. Also called: PCNT-related condition.

Submission:

PreventionGenetics, part of Exact Sciences
Classification: Uncertain significance for PCNT-related condition. Last evaluated: 2023-06-08. Review status: criteria provided, single submitter. Criteria: ACMG Guidelines, 2015. Collection method: clinical testing. Allele origin: germline.
Comment: The PCNT c.2510G>A variant is predicted to result in the amino acid substitution p.Ser837Asn. To our knowledge, this variant has not been reported in the literature or in a large population database, indicating this variant is rare. At this time, the clinical significance of this variant is uncertain due to the absence of conclusive functional and genetic evidence.

NM_006031.6(PCNT):c.2510G>A (p.Ser837Asn)

Gene: PCNT (pericentrin; plus strand). Cytogenetic location: 21q22.3.
Variant type: single nucleotide variant.
Coding change: c.2510G>A on transcript NM_006031.6 (MANE Select); coding-DNA position 2510, G replaced by A.
Protein change: p.Ser837Asn; replaces serine 837 with asparagine.
Molecular consequence: missense variant.
Genome position (GRCh38, 1-based): chr21:46,363,835, G>A. VCF-style: chr21-46363835-G-A. GRCh37 (hg19) VCF-style: chr21-47783750-G-A.
Other names: c.2156G>A, p.Ser719Asn (NM_001315529.2); short protein forms S719N, S837N.
Identifiers: ClinVar variation 2632175 (VCV002632175.1), dbSNP rs2518224426, ClinGen allele CA410568075.